The following is an entry in ClinVar:

ClinVar aggregate classification (germline): Pathogenic (1 of 4 stars; one submission).

Submission:

Labcorp Genetics (formerly Invitae), Labcorp
Classification: Pathogenic. Last evaluated: 2023-09-25. Review status: criteria provided, single submitter. Criteria: Invitae Variant Classification Sherloc (09022015). Collection method: clinical testing. Allele origin: unknown.
Comment: For these reasons, this variant has been classified as Pathogenic. A similar copy number variant has been observed in individuals with hypophosphatemic rickets (PMID: 21902834, 22695891, 29505567). This variant is a gross deletion of the genomic region encompassing exon(s) 16-22 of the PHEX gene, which includes the termination codon. This deletion extends beyond the assayed region for this gene and therefore may encompass additional genes. While this deletion is not anticipated to lead to nonsense mediated decay, it is expected to alter mRNA translation or result in a truncated protein product.

Literature cited by the submitters: PubMed 21902834; PubMed 22695891; PubMed 29505567.

NC_000023.10:g.(?_22231001)_(22266301_?)del

Gene: PHEX (phosphate regulating endopeptidase X-linked; plus strand). Cytogenetic location: Xp22.11.
Variant type: Deletion.
Identifiers: ClinVar variation 3246012 (VCV003246012.1).